The following is an entry in ClinVar:

NM_024642.5(GALNT12):c.485C>T (p.Thr162Ile)

Gene: GALNT12 (polypeptide N-acetylgalactosaminyltransferase 12; plus strand). Cytogenetic location: 9q22.33.
Variant type: single nucleotide variant.
Coding change: c.485C>T on transcript NM_024642.5 (MANE Select); coding-DNA position 485, C replaced by T.
Protein change: p.Thr162Ile; replaces threonine 162 with isoleucine.
Molecular consequence: missense variant.
Genome position (GRCh38, 1-based): chr9:98,823,369, C>T. VCF-style: chr9-98823369-C-T. GRCh37 (hg19) VCF-style: chr9-101585651-C-T.
Other names: short protein forms T162I.
Identifiers: ClinVar variation 1743622 (VCV001743622.11), dbSNP rs746381338, ClinGen allele CA5153950.

ClinVar aggregate classification (germline): Uncertain significance. Review status: criteria provided, multiple submitters, no conflicts (2 of 4 stars). 4 submissions from 4 submitters: Uncertain significance (4). Last evaluated 2025-06-08.

Conditions:
Colorectal cancer, susceptibility to, 1. Also called: COLORECTAL ADENOMA AND CANCER, SUSCEPTIBILITY TO; COLORECTAL CANCER, SUSCEPTIBILITY TO, ON CHROMOSOME 9. Identifiers: MedGen C1837315, MONDO:0012132, OMIM 608812.

Allele frequency attached by ClinVar (database versions not stated): TOPMed below 0.00001; ExAC 0.00001; gnomAD 0.00001; gnomAD exomes 0.00001.
gnomAD v4.1: 6 of 1,614,044 alleles (0.00037%); highest among the groups gnomAD compares: Non-Finnish European, 0.00042%; no homozygotes.

Submissions (4):

Ambry Genetics
Classification: Uncertain significance. Last evaluated: 2025-06-08. Review status: criteria provided, single submitter. Criteria: Ambry Variant Classification Scheme 2023. Collection method: clinical testing. Allele origin: germline.
Comment: The p.T162I variant (also known as c.485C>T), located in coding exon 2 of the GALNT12 gene, results from a C to T substitution at nucleotide position 485. The threonine at codon 162 is replaced by isoleucine, an amino acid with similar properties. This amino acid position is highly conserved in available vertebrate species. In addition, the in silico prediction for this alteration is inconclusive. Since supporting evidence is limited at this time, the clinical significance of this alteration remains unclear.

Labcorp Genetics (formerly Invitae), Labcorp
Classification: Uncertain significance. Last evaluated: 2024-05-12. Review status: criteria provided, single submitter. Criteria: Invitae Variant Classification Sherloc (09022015). Collection method: clinical testing. Allele origin: germline.
Comment: This sequence change replaces threonine, which is neutral and polar, with isoleucine, which is neutral and non-polar, at codon 162 of the GALNT12 protein (p.Thr162Ile). This variant is present in population databases (rs746381338, gnomAD 0.004%). This variant has not been reported in the literature in individuals affected with GALNT12-related conditions. ClinVar contains an entry for this variant (Variation ID: 1743622). Advanced modeling of protein sequence and biophysical properties (such as structural, functional, and spatial information, amino acid conservation, physicochemical variation, residue mobility, and thermodynamic stability) has been performed at Invitae for this missense variant, however the output from this modeling did not meet the statistical confidence thresholds required to predict the impact of this variant on GALNT12 protein function. In summary, the available evidence is currently insufficient to determine the role of this variant in disease. Therefore, it has been classified as a Variant of Uncertain Significance.

Baylor Genetics
Classification: Uncertain significance for Colorectal cancer, susceptibility to, 1. Last evaluated: 2023-09-04. Review status: criteria provided, single submitter. Criteria: ACMG Guidelines, 2015. Collection method: clinical testing. Allele origin: unknown.

Blueprint Genetics
Classification: Uncertain significance. Last evaluated: 2023-02-21. Review status: criteria provided, single submitter. Criteria: ACMG Guidelines, 2015. Collection method: clinical testing. Allele origin: germline.